The following is an entry in ClinVar:

NM_004667.6(HERC2):c.4892C>T (p.Pro1631Leu)

Gene: HERC2 (HECT and RLD domain containing E3 ubiquitin protein ligase 2; minus strand). Cytogenetic location: 15q13.1.
Variant type: single nucleotide variant.
Coding change: c.4892C>T on transcript NM_004667.6 (MANE Select); coding-DNA position 4892, C replaced by T.
Protein change: p.Pro1631Leu; replaces proline 1631 with leucine.
Molecular consequence: missense variant.
Genome position (GRCh38, 1-based): chr15:28,229,765, G>A on the plus strand (C>T on the coding strand, the complement: HERC2 is on the minus strand). VCF-style: chr15-28229765-G-A. GRCh37 (hg19) VCF-style: chr15-28474911-G-A.
Other names: c.4892C>T (NM_004667.4); short protein forms P1631L.
Identifiers: ClinVar variation 872639 (VCV000872639.44), dbSNP rs563823025, ClinGen allele CA7442513.

ClinVar aggregate classification (germline): Uncertain significance. Review status: criteria provided, multiple submitters, no conflicts (2 of 4 stars). 3 submissions from 3 submitters: Uncertain significance (3). Last evaluated 2025-09-01.

Conditions:
Inborn genetic diseases. Identifiers: MedGen C0950123, MeSH D030342.

Allele frequency attached by ClinVar (database versions not stated): gnomAD 0.00001; gnomAD exomes 0.00001 and 0.00002; TOPMed 0.00001; ExAC 0.00003; 1000 Genomes Project 30x 0.00016; 1000 Genomes Project 0.00020.
gnomAD v4.1: 20 of 1,489,086 alleles (0.0013%); highest among the groups gnomAD compares: East Asian, 0.025%; no homozygotes.

Submissions (3):

CeGaT Center for Human Genetics Tuebingen
Classification: Uncertain significance. Last evaluated: 2025-09-01. Review status: criteria provided, single submitter. Criteria: CeGaT Center For Human Genetics Tuebingen Variant Classification Criteria Version 2. Collection method: clinical testing. Allele origin: germline. Affected: yes. Observed: 3 variant alleles.
Comment: HERC2: PM2

Ambry Genetics
Classification: Uncertain significance for Inborn genetic diseases. Last evaluated: 2024-07-31. Review status: criteria provided, single submitter. Criteria: Ambry Variant Classification Scheme 2023. Collection method: clinical testing. Allele origin: germline.

GeneDx
Classification: Uncertain significance. Last evaluated: 2020-07-07. Review status: criteria provided, single submitter. Criteria: GeneDx Variant Classification Process June 2021. Collection method: clinical testing. Allele origin: germline. Affected: yes.
Comment: In silico analysis supports that this missense variant does not alter protein structure/function; Has not been previously published as pathogenic or benign to our knowledge